The following is an entry in ClinVar:

NM_025114.4(CEP290):c.185A>G (p.Lys62Arg)

Gene: CEP290 (centrosomal protein 290; minus strand). Cytogenetic location: 12q21.32.
Variant type: single nucleotide variant.
Coding change: c.185A>G on transcript NM_025114.4 (MANE Select); coding-DNA position 185, A replaced by G.
Protein change: p.Lys62Arg; replaces lysine 62 with arginine.
Molecular consequence: missense variant.
Genome position (GRCh38, 1-based): chr12:88,139,560, T>C on the plus strand (A>G on the coding strand, the complement: CEP290 is on the minus strand). VCF-style: chr12-88139560-T-C. GRCh37 (hg19) VCF-style: chr12-88533337-T-C.
Other names: NM_025114.4(CEP290):c.185A>G; p.Lys62Arg; short protein forms K62R.
Identifiers: ClinVar variation 3896422 (VCV003896422.3).
Genomic context (GRCh38, chr12:88,139,560, plus strand): 5'-TTTGCTTGTTCTTCTCCAGCTTTTTCTACTTCTTCCAAAGCCAGCTCCACTTCTTGAGCT[T>C]TCATCTAAACATTAAAAAAAGGTTATTTCAATATGCCTTTATACTGGAATGTAAGCACTG-3'
Protein context (NP_079390.3, residues 52-72): FRITQSLMKM[Lys62Arg]AQEVELALEE

ClinVar aggregate classification (germline): Likely pathogenic. Review status: reviewed by expert panel (3 of 4 stars). 2 submissions from 2 submitters: Likely pathogenic (1). 1 of the submissions does not count toward it. Last evaluated 2026-07-20.

Conditions:
CEP290-related ciliopathy. Also called: CEP290 ciliopathy. Identifiers: MedGen CN305601, MONDO:0100451.

Submissions (2):

ClinGen Leber Congenital Amaurosis/early Onset Retinal Dystrophy Variant Curation Expert Panel, ClinGen
Classification: Likely pathogenic for CEP290-related ciliopathy. Last evaluated: 2026-07-20. Review status: reviewed by expert panel. Criteria: ClinGen LCAeoRD ACMG Specifications CEP290 V1.0.0. Collection method: curation. Allele origin: germline. Inheritance: Autosomal recessive inheritance.
Comment: NM_025114.4(CEP290):c.185A>G (p.Lys62Arg) is a missense substitution replacing lysine with arginine at amino acid 62. This variant is absent from gnomAD v4.1.1 (PM2_Supporting). This variant has been reported in at least 1 proband with early-onset severe retinal dystrophy who was compound heterozygous with the NM_025114.4(CEP290):c.2991+1655A>G variant confirmed in trans, which was previously classified pathogenic by the ClinGen LCA/eoRD VCEP (1 total point, PMID: 34321860, PM3). At least one proband harboring this variant exhibits a phenotype including diagnosis of Leber congenital amaurosis (0.5 pts) with onset before age 1 year (0.5 pts), and genotyping by next-generation sequencing that did not identify an alternative basis for retinal disease (2 pts), which together are not sufficiently specific for CEP290-related ciliopathy to meet the PP4 code (total 3 points, PMID: 34321860). A VCEP member has provided a more detailed clinical phenotype of the patient (11 points, VCEP member-provided data, PP4_Moderate). The computational predictor CADD gives a PHRED score of 26.4, which is above the ClinGen LCA/eoRD VCEP threshold of ≥25.3 and predicts a damaging effect on CEP290 protein function (PP3). The splicing impact predictor SpliceAI gives a score of 0.00, which is below the ClinGen LCA/eoRD VCEP recommended threshold of ≥0.2 and does not strongly predict an impact on splicing. In summary, this variant meets the criteria to be classified as Likely Pathogenic for CEP290-related ciliopathy based on the ACMG/AMP criteria applied, as specified by the ClinGen LCA/eoRD VCEP: PM2_Supporting, PM3, PP4_Moderate, and PP3. (LCA/eoRD VCEP Specifications for CEP290 Version 1.0.0)

Women's Health and Genetics/Laboratory Corporation of America, LabCorp
Classification: Uncertain significance. Last evaluated: 2025-04-08. Review status: criteria provided, single submitter. Criteria: LabCorp Variant Classification Summary - May 2015. Collection method: clinical testing. Allele origin: germline. Not counted in ClinVar's aggregate classification.
Comment: Variant summary: CEP290 c.185A>G (p.Lys62Arg) results in a conservative amino acid change in the encoded protein sequence. Three of five in-silico tools predict a damaging effect of the variant on protein function. The variant was absent in 226738 control chromosomes. The available data on variant occurrences in the general population are insufficient to allow any conclusion about variant significance. c.185A>G has been reported in the literature in at-least one individual affected with Leber congenital amaurosis (example: Tracewska_2021). These data do not allow any conclusion about variant significance. To our knowledge, no experimental evidence demonstrating an impact on protein function has been reported. The following publication has been ascertained in the context of this evaluation (PMID: 34321860). No submitters have cited clinical-significance assessments for this variant to ClinVar. Based on the evidence outlined above, the variant was classified as uncertain significance.

Literature cited by the submitters: PubMed 34321860 (cited by Women's Health and Genetics/Laboratory Corporation of America, LabCorp).